The following is an entry in ClinVar:

NM_199420.4(POLQ):c.7768G>A (p.Val2590Met)

Gene: POLQ (DNA polymerase theta; minus strand). Cytogenetic location: 3q13.33.
Variant type: single nucleotide variant.
Coding change: c.7768G>A on transcript NM_199420.4 (MANE Select); coding-DNA position 7768, G replaced by A.
Protein change: p.Val2590Met; replaces valine 2590 with methionine.
Molecular consequence: missense variant.
Genome position (GRCh38, 1-based): chr3:121,432,309, C>T on the plus strand (G>A on the coding strand, the complement: POLQ is on the minus strand). VCF-style: chr3-121432309-C-T. GRCh37 (hg19) VCF-style: chr3-121151156-C-T.
Other names: short protein forms V2590M.
Identifiers: ClinVar variation 1760523 (VCV001760523.2), dbSNP rs1377392438, ClinGen allele CA354092348.

ClinVar aggregate classification (germline): Uncertain significance (1 of 4 stars; one submission).

Allele frequency attached by ClinVar (database versions not stated): gnomAD 0.00001; gnomAD exomes 0.00001.
gnomAD v4.1: 6 of 1,598,344 alleles (0.00038%); highest among the groups gnomAD compares: Admixed American, 0.011%; no homozygotes.

Submission:

Ambry Genetics
Classification: Uncertain significance. Last evaluated: 2024-02-16. Review status: criteria provided, single submitter. Criteria: Ambry Variant Classification Scheme 2023. Collection method: clinical testing. Allele origin: germline.
Comment: The p.V2590M variant (also known as c.7768G>A), located in coding exon 30 of the POLQ gene, results from a G to A substitution at nucleotide position 7768. The valine at codon 2590 is replaced by methionine, an amino acid with highly similar properties. This amino acid position is conserved. In addition, this alteration is predicted to be tolerated by in silico analysis. Since supporting evidence is limited at this time, the clinical significance of this alteration remains unclear.